The following is an entry in ClinVar:

ClinVar aggregate classification (germline): Likely benign (0 of 4 stars; one submission).

Conditions:
AMZ2-related disorder. Also called: AMZ2-related condition.

Allele frequency attached by ClinVar (database versions not stated): gnomAD exomes 0.00001; TOPMed 0.00001; ExAC 0.00003; gnomAD 0.00003; 1000 Genomes Project 30x 0.00031; 1000 Genomes Project 0.00040.
gnomAD v4.1: 26 of 1,603,140 alleles (0.0016%); highest among the groups gnomAD compares: South Asian, 0.018%; no homozygotes.

Submission:

PreventionGenetics, part of Exact Sciences
Classification: Likely benign for AMZ2-related condition. Last evaluated: 2019-02-20. Review status: no assertion criteria provided. Collection method: clinical testing. Allele origin: germline.
Comment: This variant is classified as likely benign based on ACMG/AMP sequence variant interpretation guidelines (Richards et al. 2015 PMID: 25741868, with internal and published modifications).

NM_016627.5(AMZ2):c.586+8G>A

Gene: AMZ2 (archaelysin family metallopeptidase 2; plus strand). Cytogenetic location: 17q24.2.
Variant type: single nucleotide variant.
Coding change: c.586+8G>A on transcript NM_016627.5 (MANE Select); 8 bases into the intron after coding-DNA position 586, G replaced by A.
Molecular consequence: intron variant. On other transcripts: non-coding transcript variant (2).
Genome position (GRCh38, 1-based): chr17:68,251,186, G>A. VCF-style: chr17-68251186-G-A. GRCh37 (hg19) VCF-style: chr17-66247327-G-A.
Other names: c.586+8G>A (NM_001346472.1, NM_001346473.1, NM_001346471.1 and 12 more transcripts); c.484+8G>A (NM_001346481.1, NM_001346482.1, NM_001346484.2 and 1 more transcripts); c.412+8G>A (NM_001346480.1, NM_001033574.2); c.418+8G>A (NM_001346485.2).
Identifiers: ClinVar variation 3051087 (VCV003051087.2), dbSNP rs575931127, ClinGen allele CA8727574.